The following is an entry in ClinVar:

NM_006019.4(TCIRG1):c.979_980insAG (p.Arg327fs)

Gene: TCIRG1 (T cell immune regulator 1, ATPase H+ transporting V0 subunit a3; plus strand). Cytogenetic location: 11q13.2.
Variant type: Insertion.
Coding change: c.979_980insAG on transcript NM_006019.4 (MANE Select); coding-DNA positions 979 to 980, AG inserted.
Protein change: p.Arg327fs; shifts the reading frame from arginine 327.
Molecular consequence: frameshift variant. On other transcripts: intron variant (4).
Genome position: GRCh38 VCF-style: chr11-68044303-C-CAG. GRCh37 (hg19) VCF-style: chr11-67811770-C-CAG.
Other names: c.85_86insAG, p.Arg29fs (NM_001351059.2); c.979_980insAG, p.Arg327fs (NM_001440552.1, NM_001440553.1, NM_001440554.1 and 2 more transcripts); c.937_938insAG, p.Arg313fs (NM_001440555.1, NM_001440556.1, NM_001440563.1); c.766_767insAG, p.Arg256fs (NM_001440561.1, NM_001440562.1, NM_001440566.1 and 1 more transcripts); c.724_725insAG, p.Arg242fs (NM_001440564.1); c.679_680insAG, p.Arg227fs (NM_001440565.1); c.331_332insAG, p.Arg111fs (NM_006053.4); c.807+396_807+397insAG (NM_001440559.1, NM_001440560.1); and 2 more; short protein forms R111fs, R227fs, R242fs, R256fs, R29fs, R313fs, R327fs.
Identifiers: ClinVar variation 5014480 (VCV005014480.1).

ClinVar aggregate classification (germline): Pathogenic (1 of 4 stars; one submission).

Conditions:
Autosomal recessive osteopetrosis 1. Also called: ALBERS-SCHONBERG DISEASE, AUTOSOMAL RECESSIVE; TCIRG1-Related Autosomal Recessive Osteopetrosis; TCIRG1-Related Osteopetrosis. Identifiers: Orphanet 667, MedGen C1850127, MONDO:0009815, OMIM 259700.

Submission:

Myriad Genetics, Inc.
Classification: Pathogenic for Autosomal recessive osteopetrosis 1. Last evaluated: 2025-05-20. Review status: criteria provided, single submitter. Criteria: Myriad Autosomal Dominant, Autosomal Recessive and X-Linked Classification Criteria (2023). Collection method: clinical testing. Allele origin: unknown.
Comment: NM_006019.3(TCIRG1):c.979_980insAG(R327Qfs*20) is expected to be pathogenic in the context of autosomal recessive osteopetrosis type 1. This variant is predicted to lead to an abnormal or absent protein product due to the creation of a premature termination codon in TCIRG1, a gene where loss-of-function variants are known to be pathogenic. Please note: this variant was assessed in the context of healthy population screening.